The following is an entry in ClinVar:

NM_000834.5(GRIN2B):c.3374A>C (p.Asp1125Ala)

Gene: GRIN2B (glutamate ionotropic receptor NMDA type subunit 2B; minus strand). Cytogenetic location: 12p13.1.
Variant type: single nucleotide variant.
Coding change: c.3374A>C on transcript NM_000834.5 (MANE Select); coding-DNA position 3374, A replaced by C.
Protein change: p.Asp1125Ala; replaces aspartic acid 1125 with alanine.
Molecular consequence: missense variant.
Genome position (GRCh38, 1-based): chr12:13,563,864, T>G on the plus strand (A>C on the coding strand, the complement: GRIN2B is on the minus strand). VCF-style: chr12-13563864-T-G. GRCh37 (hg19) VCF-style: chr12-13716798-T-G.
Other names: c.3374A>C, p.Asp1125Ala (NM_001413992.1); short protein forms D1125A.
Identifiers: ClinVar variation 3366223 (VCV003366223.1).

ClinVar aggregate classification (germline): Uncertain significance (1 of 4 stars; one submission).

Submission:

GeneDx
Classification: Uncertain significance. Last evaluated: 2023-10-18. Review status: criteria provided, single submitter. Criteria: GeneDx Variant Classification Process June 2021. Collection method: clinical testing. Allele origin: germline. Affected: yes.
Comment: Not observed at significant frequency in large population cohorts (gnomAD); In silico analysis supports that this missense variant has a deleterious effect on protein structure/function; Has not been previously published as pathogenic or benign to our knowledge